The following is an entry in ClinVar:

NM_015021.3(ZNF292):c.5889C>T (p.Asn1963=)

Gene: ZNF292 (zinc finger protein 292; plus strand). Cytogenetic location: 6q14.3.
Variant type: single nucleotide variant.
Coding change: c.5889C>T on transcript NM_015021.3 (MANE Select); coding-DNA position 5889, C replaced by T.
Protein change: p.Asn1963=; no amino-acid change (asparagine 1963 retained).
Molecular consequence: synonymous variant.
Genome position (GRCh38, 1-based): chr6:87,259,518, C>T. VCF-style: chr6-87259518-C-T. GRCh37 (hg19) VCF-style: chr6-87969236-C-T.
Other names: c.5469C>T, p.Asn1823= (NM_001351444.2).
Identifiers: ClinVar variation 2656750 (VCV002656750.25), dbSNP rs554012118, ClinGen allele CA3914541.

ClinVar aggregate classification (germline): Likely benign. Review status: criteria provided, multiple submitters, no conflicts (2 of 4 stars). 2 submissions from 2 submitters: Likely benign (2). Last evaluated 2024-06-21.

Allele frequency attached by ClinVar (database versions not stated): TOPMed 0.00001; gnomAD exomes 0.00004; gnomAD 0.00005; ExAC 0.00023.
gnomAD v4.1: 67 of 1,587,358 alleles (0.0042%); highest among the groups gnomAD compares: South Asian, 0.072%; 1 homozygote.

Submissions (2):

Blueprint Genetics
Classification: Likely benign. Last evaluated: 2024-06-21. Review status: criteria provided, single submitter. Criteria: ACMG Guidelines, 2015. Collection method: clinical testing. Allele origin: germline.

CeGaT Center for Human Genetics Tuebingen
Classification: Likely benign. Last evaluated: 2023-01-01. Review status: criteria provided, single submitter. Criteria: CeGaT Center For Human Genetics Tuebingen Variant Classification Criteria Version 2. Collection method: clinical testing. Allele origin: germline. Affected: yes. Observed: 1 variant allele.
Comment: ZNF292: BP4, BP7